The following is an entry in ClinVar:

ClinVar aggregate classification (germline): Uncertain significance (1 of 4 stars; one submission).

Allele frequency attached by ClinVar (database versions not stated): gnomAD exomes below 0.00001.
gnomAD v4.1: 6 of 1,613,650 alleles (0.00037%); highest among the groups gnomAD compares: Non-Finnish European, 0.00051%; no homozygotes.

Submission:

GeneDx
Classification: Uncertain significance. Last evaluated: 2020-01-28. Review status: criteria provided, single submitter. Criteria: GeneDx Variant Classification Process June 2021. Collection method: clinical testing. Allele origin: germline. Affected: yes.
Comment: Not observed in large population cohorts (Lek 2016); In silico analysis, which includes protein predictors and evolutionary conservation, supports a deleterious effect; Has not been previously published as pathogenic or benign to our knowledge

NM_002485.5(NBN):c.2183A>G (p.Glu728Gly)

Gene: NBN (nibrin; minus strand). Cytogenetic location: 8q21.3.
Variant type: single nucleotide variant.
Coding change: c.2183A>G on transcript NM_002485.5 (MANE Select); coding-DNA position 2183, A replaced by G.
Protein change: p.Glu728Gly; replaces glutamic acid 728 with glycine.
Molecular consequence: missense variant.
Genome position (GRCh38, 1-based): chr8:89,943,254, T>C on the plus strand (A>G on the coding strand, the complement: NBN is on the minus strand). VCF-style: chr8-89943254-T-C. GRCh37 (hg19) VCF-style: chr8-90955482-T-C.
Other names: c.1937A>G, p.Glu646Gly (NM_001024688.3); short protein forms E646G, E728G.
Identifiers: ClinVar variation 1205493 (VCV001205493.3), dbSNP rs1060503487, ClinGen allele CA371675250.